The following is an entry in ClinVar:

NM_000548.5(TSC2):c.4207G>A (p.Asp1403Asn)

Gene: TSC2 (TSC complex subunit 2; plus strand). Cytogenetic location: 16p13.3.
Variant type: single nucleotide variant.
Coding change: c.4207G>A on transcript NM_000548.5 (MANE Select); coding-DNA position 4207, G replaced by A.
Protein change: p.Asp1403Asn; replaces aspartic acid 1403 with asparagine.
Molecular consequence: missense variant. On other transcripts: non-coding transcript variant (5).
Genome position (GRCh38, 1-based): chr16:2,084,429, G>A. VCF-style: chr16-2084429-G-A. GRCh37 (hg19) VCF-style: chr16-2134430-G-A.
Other names: c.4006G>A, p.Asp1336Asn (NM_001077183.3); c.4138G>A, p.Asp1380Asn (NM_001114382.3); c.3898G>A, p.Asp1300Asn (NM_001318827.2); c.3862G>A, p.Asp1288Asn (NM_001318829.2); c.3475G>A, p.Asp1159Asn (NM_001318831.2); c.4039G>A, p.Asp1347Asn (NM_001318832.2); c.4009G>A, p.Asp1337Asn (NM_001363528.2); c.4075G>A, p.Asp1359Asn (NM_001370404.1); and 26 more; short protein forms D1159N, D1203N, D1299N, D1331N, D1337N, D1367N, D1377N, D1403N.
Identifiers: ClinVar variation 2834775 (VCV002834775.4), dbSNP rs1288307487, ClinGen allele CA394299913.
Genomic context (GRCh38, chr16:2,084,429, plus strand): 5'-AGCAAGTCCAGCTCCTCTCCCGAGCTGCAGACTCTGCAGGACATCCTCGGGGACCCTGGG[G>A]ACAAGGCCGACGTGGGCCGGCTGAGCCCTGAGGTTAAGGCCCGGTCACAGTCAGGGACCC-3'
Protein context (NP_000539.2, residues 1393-1413): TLQDILGDPG[Asp1403Asn]KADVGRLSPE

ClinVar aggregate classification (germline): Uncertain significance. Review status: criteria provided, multiple submitters, no conflicts (2 of 4 stars). 2 submissions from 2 submitters: Uncertain significance (2). Last evaluated 2025-11-22.

Conditions:
Hereditary cancer-predisposing syndrome. Also called: Neoplastic Syndromes, Hereditary; Tumor predisposition; Hereditary Cancer Syndrome; Hereditary neoplastic syndrome. Identifiers: Orphanet 140162, MedGen C0027672, MeSH D009386, MONDO:0015356.
Tuberous sclerosis 2 (TSC2). Identifiers: Orphanet 805, MedGen C1860707, MONDO:0013199, OMIM 613254.

Submissions (2):

Ambry Genetics
Classification: Uncertain significance for Hereditary cancer-predisposing syndrome. Last evaluated: 2025-11-22. Review status: criteria provided, single submitter. Criteria: Ambry Variant Classification Scheme 2023. Collection method: clinical testing. Allele origin: germline.
Comment: The p.D1403N variant (also known as c.4207G>A), located in coding exon 33 of the TSC2 gene, results from a G to A substitution at nucleotide position 4207. The aspartic acid at codon 1403 is replaced by asparagine, an amino acid with highly similar properties. This amino acid position is conserved. In addition, the in silico prediction for this alteration is inconclusive. Based on the available evidence, the clinical significance of this variant remains unclear.

Labcorp Genetics (formerly Invitae), Labcorp
Classification: Uncertain significance for Tuberous sclerosis 2. Last evaluated: 2023-09-26. Review status: criteria provided, single submitter. Criteria: Invitae Variant Classification Sherloc (09022015). Collection method: clinical testing. Allele origin: germline.
Comment: This sequence change replaces aspartic acid, which is acidic and polar, with asparagine, which is neutral and polar, at codon 1403 of the TSC2 protein (p.Asp1403Asn). This variant is not present in population databases (gnomAD no frequency). This variant has not been reported in the literature in individuals affected with TSC2-related conditions. Advanced modeling of protein sequence and biophysical properties (such as structural, functional, and spatial information, amino acid conservation, physicochemical variation, residue mobility, and thermodynamic stability) performed at Invitae indicates that this missense variant is not expected to disrupt TSC2 protein function. In summary, the available evidence is currently insufficient to determine the role of this variant in disease. Therefore, it has been classified as a Variant of Uncertain Significance.